The following is an entry in ClinVar:

ClinVar aggregate classification (germline): Pathogenic. Review status: criteria provided, multiple submitters, no conflicts (2 of 4 stars). 2 submissions from 2 submitters: Pathogenic (2). Last evaluated 2024-05-22.

Conditions:
Senior-Loken syndrome 7 (SLSN7). Identifiers: Orphanet 3156, MedGen C3150877, MONDO:0013326, OMIM 613615.
Bardet-Biedl syndrome 16 (BBS16). Identifiers: Orphanet 110, MedGen C3889474, MONDO:0014444, OMIM 615993.

Submissions (2):

Labcorp Genetics (formerly Invitae), Labcorp
Classification: Pathogenic for Bardet-Biedl syndrome 16; Senior-Loken syndrome 7. Last evaluated: 2024-05-22. Review status: criteria provided, single submitter. Criteria: Invitae Variant Classification Sherloc (09022015). Collection method: clinical testing. Allele origin: germline.
Comment: This sequence change creates a premature translational stop signal (p.Ala387Profs*6) in the SDCCAG8 gene. It is expected to result in an absent or disrupted protein product. Loss-of-function variants in SDCCAG8 are known to be pathogenic (PMID: 20835237, 22190896). This variant is not present in population databases (gnomAD no frequency). This variant has not been reported in the literature in individuals affected with SDCCAG8-related conditions. ClinVar contains an entry for this variant (Variation ID: 287667). For these reasons, this variant has been classified as Pathogenic.

Eurofins Ntd Llc (ga)
Classification: Pathogenic. Last evaluated: 2016-05-26. Review status: criteria provided, single submitter. Criteria: EGL Classification Definitions 2015. Collection method: clinical testing. Allele origin: germline. Observed: 1 variant allele, 1 homozygote.

Literature cited by the submitters: PubMed 20835237 (cited by Labcorp Genetics (formerly Invitae), Labcorp); PubMed 22190896 (cited by Labcorp Genetics (formerly Invitae), Labcorp).

NM_006642.5(SDCCAG8):c.1159del (p.Ala387fs)

Gene: SDCCAG8 (SHH signaling and ciliogenesis regulator SDCCAG8; plus strand). Cytogenetic location: 1q43.
Variant type: Deletion.
Coding change: c.1159del on transcript NM_006642.5 (MANE Select); coding-DNA position 1159, one base deleted (G; older notation c.1159delG).
Protein change: p.Ala387fs; shifts the reading frame from alanine 387.
Molecular consequence: frameshift variant.
Genome position (GRCh38, 1-based): chr1:243,330,630, G deleted; the last of 3 consecutive G bases (chr1:243,330,628-243,330,630); deleting any one gives the same sequence. VCF-style (leftmost placement, unchanged base first): chr1-243330627-AG-A. GRCh37 (hg19) VCF-style: chr1-243493929-AG-A.
Other names: c.256del, p.Ala86fs (NM_001350246.2, NM_001350247.2, NM_001350251.2); c.1255del, p.Ala419fs (NM_001350248.2); c.865del, p.Ala289fs (NM_001350249.2); short protein forms A86fs, A289fs, A387fs, A419fs.
Identifiers: ClinVar variation 287667 (VCV000287667.10), dbSNP rs778900414, ClinGen allele CA1483570.
Genomic context (GRCh38, chr1:243,330,627, plus strand): 5'-AAGGAGCTGGAGAGGCAGGCGGAGCGACTTGAAAAAGAACTTGCATCTCAGCAAGAGAAA[AG>A]GGCCATTGAGAAAGACATGATGAAAAAGGAAATAACGAAAGAAAGGGAGTACATGGGATC-3'